The following is an entry in ClinVar:

NM_016653.3(MAP3K20):c.1410A>G (p.Ile470Met)

Genes: MAP3K20 (mitogen-activated protein kinase kinase kinase 20; plus strand), MAP3K20-AS1 (MAP3K20 antisense RNA 1; minus strand). Cytogenetic location: 2q31.1.
Variant type: single nucleotide variant.
Coding change: c.1410A>G on transcript NM_016653.3 (MANE Select); coding-DNA position 1410, A replaced by G.
Protein change: p.Ile470Met; replaces isoleucine 470 with methionine.
Molecular consequence: missense variant.
Genome position (GRCh38, 1-based): chr2:173,258,749, A>G. VCF-style: chr2-173258749-A-G. GRCh37 (hg19) VCF-style: chr2-174123477-A-G.
Other names: short protein forms I470M.
Identifiers: ClinVar variation 3344197 (VCV003344197.1).
Genomic context (GRCh38, chr2:173,258,749, plus strand): 5'-TTAATTCCAGGATTGTAAGTGGAAAATGTATATGGAGATGGATGGGGATGAAATTGCAAT[A>G]ACCTACATAAAAGATGTGACATTCAACACTAACCTACCTGATGCGGAGATTTTAAAGATG-3'
Protein context (NP_057737.2, residues 460-480): YMEMDGDEIA[Ile470Met]TYIKDVTFNT

ClinVar aggregate classification (germline): Uncertain significance (0 of 4 stars; one submission).

Conditions:
MAP3K20-related disorder. Also called: MAP3K20-related condition.

Submission:

PreventionGenetics, part of Exact Sciences
Classification: Uncertain significance for MAP3K20-related condition. Last evaluated: 2024-06-03. Review status: no assertion criteria provided. Collection method: clinical testing. Allele origin: germline.
Comment: The MAP3K20 c.1410A>G variant is predicted to result in the amino acid substitution p.Ile470Met. To our knowledge, this variant has not been reported in the literature or in a large population database, indicating this variant is rare. At this time, the clinical significance of this variant is uncertain due to the absence of conclusive functional and genetic evidence.